The following is an entry in ClinVar:

ClinVar aggregate classification (germline): Uncertain significance (1 of 4 stars; one submission).

Conditions:
Epileptic encephalopathy. Identifiers: MedGen C0543888, HP:0200134.

Allele frequency attached by ClinVar (database versions not stated): gnomAD exomes 0.00001 and below 0.00001; TOPMed below 0.00001; ExAC 0.00001; gnomAD 0.00001.
gnomAD v4.1: 10 of 1,612,500 alleles (0.00062%); highest among the groups gnomAD compares: South Asian, 0.0011%; no homozygotes.

Submission:

Labcorp Genetics (formerly Invitae), Labcorp
Classification: Uncertain significance for Epileptic encephalopathy. Last evaluated: 2022-10-13. Review status: criteria provided, single submitter. Criteria: Invitae Variant Classification Sherloc (09022015). Collection method: clinical testing. Allele origin: germline.
Comment: In summary, the available evidence is currently insufficient to determine the role of this variant in disease. Therefore, it has been classified as a Variant of Uncertain Significance. Algorithms developed to predict the effect of sequence changes on RNA splicing suggest that this variant may create or strengthen a splice site. Algorithms developed to predict the effect of missense changes on protein structure and function (SIFT, PolyPhen-2, Align-GVGD) all suggest that this variant is likely to be tolerated. ClinVar contains an entry for this variant (Variation ID: 531043). This variant has not been reported in the literature in individuals affected with FASN-related conditions. This variant is present in population databases (rs750638732, gnomAD 0.003%). This sequence change replaces alanine, which is neutral and non-polar, with valine, which is neutral and non-polar, at codon 986 of the FASN protein (p.Ala986Val).

NM_004104.5(FASN):c.2957C>T (p.Ala986Val)

Gene: FASN (fatty acid synthase; minus strand). Cytogenetic location: 17q25.3.
Variant type: single nucleotide variant.
Coding change: c.2957C>T on transcript NM_004104.5 (MANE Select); coding-DNA position 2957, C replaced by T.
Protein change: p.Ala986Val; replaces alanine 986 with valine.
Molecular consequence: missense variant.
Genome position (GRCh38, 1-based): chr17:82,087,771, G>A on the plus strand (C>T on the coding strand, the complement: FASN is on the minus strand). VCF-style: chr17-82087771-G-A. GRCh37 (hg19) VCF-style: chr17-80045647-G-A.
Other names: short protein forms A986V.
Identifiers: ClinVar variation 531043 (VCV000531043.7), dbSNP rs750638732, ClinGen allele CA8852567.